The following is an entry in ClinVar:

ClinVar aggregate classification (germline): Uncertain significance (1 of 4 stars; one submission).

Conditions:
Dyskeratosis congenita, autosomal dominant 1 (DKCA1). Also called: Dyskeratosis congenita Scoggins type. Identifiers: Orphanet 1775, MedGen C4551974, MONDO:0007485, OMIM 127550. Inheritance: Variable.

Allele frequency attached by ClinVar (database versions not stated): ExAC below 0.00001; gnomAD 0.00001; TOPMed 0.00001; 1000 Genomes Project 30x 0.00016; 1000 Genomes Project 0.00040.

Submission:

Labcorp Genetics (formerly Invitae), Labcorp
Classification: Uncertain significance for Dyskeratosis congenita, autosomal dominant 1. Last evaluated: 2023-09-12. Review status: criteria provided, single submitter. Criteria: Invitae Variant Classification Sherloc (09022015). Collection method: clinical testing. Allele origin: germline.
Comment: This variant occurs in the TERC gene, which encodes an RNA molecule that does not result in a protein product. This variant is not present in population databases (gnomAD no frequency). This variant has not been reported in the literature in individuals affected with TERC-related conditions. ClinVar contains an entry for this variant (Variation ID: 850791). This variant is located within the hypervariable region that is not conserved in the TERC RNA component (PMID: 10721988, 21844345). The functional significance of this region is not well understood. In summary, the available evidence is currently insufficient to determine the role of this variant in disease. Therefore, it has been classified as a Variant of Uncertain Significance.

Literature cited by the submitters: PubMed 10721988; PubMed 21844345.

NC_000003.12:g.169764820T>C

Genes: TERC (telomerase RNA component; minus strand), LOC110806306 (telomerase RNA component (TERC) promoter; plus strand). Cytogenetic location: 3q26.2.
Variant type: single nucleotide variant.
Genome position: GRCh38 VCF-style: chr3-169764820-T-C. GRCh37 (hg19) VCF-style: chr3-169482608-T-C.
Identifiers: ClinVar variation 850791 (VCV000850791.8), dbSNP rs537355285, ClinGen allele CA2696804.
Genomic context (GRCh38, chr3:169,764,820, plus strand): 5'-TCGCGGTGGCAGTGGGTGCCTCCGGAGAAGCCCCGGGCCGACCGCGGCCTCCAGGCGGGG[T>C]TCGGGGGCTGGGCAGGCGACCCGCCGCAGGTCCCCGGGAGGGGCGAACGGGCCAGCAGCT-3'